The following is an entry in ClinVar:

NM_005121.3(MED13):c.1860C>T (p.Phe620=)

Gene: MED13 (mediator complex subunit 13; minus strand). Cytogenetic location: 17q23.2.
Variant type: single nucleotide variant.
Coding change: c.1860C>T on transcript NM_005121.3 (MANE Select); coding-DNA position 1860, C replaced by T.
Protein change: p.Phe620=; no amino-acid change (phenylalanine 620 retained).
Molecular consequence: synonymous variant.
Genome position (GRCh38, 1-based): chr17:62,010,657, G>A on the plus strand (C>T on the coding strand, the complement: MED13 is on the minus strand). VCF-style: chr17-62010657-G-A. GRCh37 (hg19) VCF-style: chr17-60088018-G-A.
Other names: c.1860C>T (NM_005121.2).
Identifiers: ClinVar variation 1711443 (VCV001711443.31), dbSNP rs200446468, ClinGen allele CA8692968.

ClinVar aggregate classification (germline): Likely benign. Review status: criteria provided, single submitter (1 of 4 stars). 2 submissions from 2 submitters: Likely benign (1). 1 of the submissions does not count toward it. Last evaluated 2026-10-01.

Conditions:
MED13-related disorder. Also called: MED13-related condition.

Allele frequency attached by ClinVar (database versions not stated): TOPMed 0.00049; 1000 Genomes Project 30x 0.00016; 1000 Genomes Project 0.00020; ExAC 0.00041; ESP Exome Variant Server 0.00042; gnomAD 0.00044.
gnomAD v4.1: 698 of 1,498,256 alleles (0.047%); highest among the groups gnomAD compares: Middle Eastern, 0.072%; 2 homozygotes.

Submissions (2):

CeGaT Center for Human Genetics Tuebingen
Classification: Likely benign. Last evaluated: 2026-10-01. Review status: criteria provided, single submitter. Criteria: CeGaT Center For Human Genetics Tuebingen Variant Classification Criteria Version 2. Collection method: clinical testing. Allele origin: germline. Affected: yes. Observed: 8 variant alleles.
Comment: MED13: BP4, BP7

PreventionGenetics, part of Exact Sciences
Classification: Likely benign for MED13-related condition. Last evaluated: 2020-01-27. Review status: no assertion criteria provided. Collection method: clinical testing. Allele origin: germline. Not counted in ClinVar's aggregate classification.
Comment: This variant is classified as likely benign based on ACMG/AMP sequence variant interpretation guidelines (Richards et al. 2015 PMID: 25741868, with internal and published modifications).